The following is an entry in ClinVar:

NM_001166108.2(PALLD):c.1965-12544A>C

Gene: PALLD (palladin, cytoskeletal associated protein; plus strand). Cytogenetic location: 4q32.3.
Variant type: single nucleotide variant.
Coding change: c.1965-12544A>C on transcript NM_001166108.2 (MANE Select); 12544 bases into the intron before coding-DNA position 1965, A replaced by C.
Molecular consequence: intron variant. On other transcripts: missense variant (1).
Genome position (GRCh38, 1-based): chr4:168,878,378, A>C. VCF-style: chr4-168878378-A-C. GRCh37 (hg19) VCF-style: chr4-169799529-A-C.
Other names: c.487A>C, p.Lys163Gln (NM_001166110.2); c.1965-12544A>C (NM_016081.4); c.819-12544A>C (NM_001166109.2); c.-157-12544A>C (NM_001367570.1, NM_001367568.1, NM_001367567.1 and 1 more transcripts); short protein forms K163Q.
Identifiers: ClinVar variation 3413710 (VCV003413710.1).

ClinVar aggregate classification (germline): Uncertain significance (1 of 4 stars; one submission).

gnomAD v4.1: 1 of 1,507,616 alleles (0.000066%); highest among the groups gnomAD compares: African/African-American, 0.0014%; no homozygotes.

Submission:

Ambry Genetics
Classification: Uncertain significance. Last evaluated: 2024-12-02. Review status: criteria provided, single submitter. Criteria: Ambry Variant Classification Scheme 2023. Collection method: clinical testing. Allele origin: germline.
Comment: The p.K163Q variant (also known as c.487A>C), located in coding exon 1 of the PALLD gene, results from an A to C substitution at nucleotide position 487. The lysine at codon 163 is replaced by glutamine, an amino acid with similar properties. This amino acid position is conserved. In addition, this alteration is predicted to be tolerated by in silico analysis. Based on the available evidence, the clinical significance of this variant remains unclear.